The following is an entry in ClinVar:

NM_002470.4(MYH3):c.2170C>T (p.Arg724Ter)

Gene: MYH3 (myosin heavy chain 3; minus strand). Cytogenetic location: 17p13.1.
Variant type: single nucleotide variant.
Coding change: c.2170C>T on transcript NM_002470.4 (MANE Select); coding-DNA position 2170, C replaced by T.
Protein change: p.Arg724Ter; replaces arginine 724 with a stop codon.
Molecular consequence: nonsense.
Genome position (GRCh38, 1-based): chr17:10,640,682, G>A on the plus strand (C>T on the coding strand, the complement: MYH3 is on the minus strand). VCF-style: chr17-10640682-G-A. GRCh37 (hg19) VCF-style: chr17-10543999-G-A.
Other names: c.2170C>T (NM_002470.3); short protein forms R724*.
Identifiers: ClinVar variation 1514894 (VCV001514894.8), dbSNP rs763239874, ClinGen allele CA8392810.
Genomic context (GRCh38, chr17:10,640,682, plus strand): 5'-CACAGGCTTTCTTGCTGTCAATGAATTGTCCCTCAGGGATTGCACTGGCATTCAGCACTC[G>A]GTATCTGCATTGTAGACATGGAAATCATCACAGACTGTTGGCAAAGACACAAACCTTGGA-3'

ClinVar aggregate classification (germline): Pathogenic. Review status: criteria provided, multiple submitters, no conflicts (2 of 4 stars). 2 submissions from 2 submitters: Pathogenic (2). Last evaluated 2024-03-25.

Conditions:
Contractures, pterygia, and spondylocarpotarsal fusion syndrome 1A (CPSFS1A). Also called: Contractures, pterygia, and variable skeletal fusions syndrome 1A; MULTIPLE PTERYGIUM SYNDROME, AUTOSOMAL DOMINANT; Distal arthrogryposis type 8. Identifiers: Orphanet 65743, MedGen C1867440, MONDO:0008338, OMIM 178110.

Allele frequency attached by ClinVar (database versions not stated): gnomAD exomes below 0.00001; ExAC 0.00001; gnomAD 0.00001; TOPMed 0.00001.
gnomAD v4.1: 5 of 1,613,902 alleles (0.00031%); highest among the groups gnomAD compares: African/African-American, 0.0027%; no homozygotes.

Submissions (2):

Genomic Medicine Center of Excellence, King Faisal Specialist Hospital and Research Centre
Classification: Pathogenic for Contractures, pterygia, and spondylocarpotarsal fusion syndrome 1A. Last evaluated: 2024-03-25. Review status: criteria provided, single submitter. Criteria: ACMG Guidelines, 2015. Collection method: research. Allele origin: germline.

Labcorp Genetics (formerly Invitae), Labcorp
Classification: Pathogenic. Last evaluated: 2022-11-22. Review status: criteria provided, single submitter. Criteria: Invitae Variant Classification Sherloc (09022015). Collection method: clinical testing. Allele origin: germline.
Comment: For these reasons, this variant has been classified as Pathogenic. ClinVar contains an entry for this variant (Variation ID: 1514894). This variant has not been reported in the literature in individuals affected with MYH3-related conditions. This variant is present in population databases (rs763239874, gnomAD no frequency). This sequence change creates a premature translational stop signal (p.Arg724*) in the MYH3 gene. It is expected to result in an absent or disrupted protein product. Loss-of-function variants in MYH3 are known to be pathogenic (PMID: 29805041, 30008475).

Literature cited by the submitters: PubMed 29805041 (cited by Labcorp Genetics (formerly Invitae), Labcorp); PubMed 30008475 (cited by Labcorp Genetics (formerly Invitae), Labcorp).